The following is an entry in ClinVar:

NM_032228.6(FAR1):c.1148G>A (p.Arg383His)

Gene: FAR1 (fatty acyl-CoA reductase 1; plus strand). Cytogenetic location: 11p15.3.
Variant type: single nucleotide variant.
Coding change: c.1148G>A on transcript NM_032228.6 (MANE Select); coding-DNA position 1148, G replaced by A.
Protein change: p.Arg383His; replaces arginine 383 with histidine.
Molecular consequence: missense variant.
Genome position (GRCh38, 1-based): chr11:13,721,750, G>A. VCF-style: chr11-13721750-G-A. GRCh37 (hg19) VCF-style: chr11-13743297-G-A.
Other names: short protein forms R383H.
Identifiers: ClinVar variation 3686803 (VCV003686803.2).
Genomic context (GRCh38, chr11:13,721,750, plus strand): 5'-TATACAAAATATGAATCTGTCCATTTTTCTTACAATACAGGATGATGAAAACAATAACTC[G>A]TCTTCACAAAGCTATGGTGTTTCTTGAATATTTCACAAGTAATTCTTGGGTTTGGAATAC-3'
Protein context (NP_115604.1, residues 373-393): RSPRMMKTIT[Arg383His]LHKAMVFLEY

ClinVar aggregate classification (germline): Uncertain significance (1 of 4 stars; one submission).

gnomAD v4.1: 3 of 1,609,778 alleles (0.00019%); highest among the groups gnomAD compares: Non-Finnish European, 0.00025%; no homozygotes.

Submission:

Labcorp Genetics (formerly Invitae), Labcorp
Classification: Uncertain significance. Last evaluated: 2024-04-18. Review status: criteria provided, single submitter. Criteria: Invitae Variant Classification Sherloc (09022015). Collection method: clinical testing. Allele origin: germline.
Comment: This sequence change replaces arginine, which is basic and polar, with histidine, which is basic and polar, at codon 383 of the FAR1 protein (p.Arg383His). This variant is not present in population databases (gnomAD no frequency). This variant has not been reported in the literature in individuals affected with FAR1-related conditions. Advanced modeling of protein sequence and biophysical properties (such as structural, functional, and spatial information, amino acid conservation, physicochemical variation, residue mobility, and thermodynamic stability) performed at Invitae indicates that this missense variant is not expected to disrupt FAR1 protein function with a negative predictive value of 80%. In summary, the available evidence is currently insufficient to determine the role of this variant in disease. Therefore, it has been classified as a Variant of Uncertain Significance.